The following is an entry in ClinVar:

NM_000719.7(CACNA1C):c.1867C>T (p.Arg623Trp)

Gene: CACNA1C (calcium voltage-gated channel subunit alpha1 C; plus strand). Cytogenetic location: 12p13.33.
Variant type: single nucleotide variant.
Coding change: c.1867C>T on transcript NM_000719.7 (MANE Select); coding-DNA position 1867, C replaced by T.
Protein change: p.Arg623Trp; replaces arginine 623 with tryptophan.
Molecular consequence: missense variant.
Genome position (GRCh38, 1-based): chr12:2,567,766, C>T. VCF-style: chr12-2567766-C-T. GRCh37 (hg19) VCF-style: chr12-2676932-C-T.
Other names: c.1867C>T, p.Arg623Trp (NM_001129827.2, NM_001129829.2, NM_001129830.3 and 18 more transcripts); c.1858C>T, p.Arg620Trp (NM_001129844.2); short protein forms R620W, R623W.
Identifiers: ClinVar variation 3774830 (VCV003774830.1).

ClinVar aggregate classification (germline): Uncertain significance (1 of 4 stars; one submission).

Submission:

GeneDx
Classification: Uncertain significance. Last evaluated: 2024-09-26. Review status: criteria provided, single submitter. Criteria: GeneDx Variant Classification Process June 2021. Collection method: clinical testing. Allele origin: germline. Affected: yes.
Comment: Not observed at significant frequency in large population cohorts (gnomAD); In silico analysis supports that this missense variant has a deleterious effect on protein structure/function; Has not been previously published as pathogenic or benign to our knowledge